The following is an entry in ClinVar:

NM_170665.4(ATP2A2):c.1543-3C>T

Gene: ATP2A2 (ATPase sarcoplasmic/endoplasmic reticulum Ca2+ transporting 2; plus strand). Cytogenetic location: 12q24.11.
Variant type: single nucleotide variant.
Coding change: c.1543-3C>T on transcript NM_170665.4 (MANE Select); 3 bases into the intron before coding-DNA position 1543, C replaced by T.
Molecular consequence: intron variant.
Genome position (GRCh38, 1-based): chr12:110,339,500, C>T. VCF-style: chr12-110339500-C-T. GRCh37 (hg19) VCF-style: chr12-110777305-C-T.
Other names: c.1168-3C>T (NM_001413015.1); c.1543-3C>T (NM_001413014.1, NM_001681.4); c.1438-3C>T (NM_001413013.1).
Identifiers: ClinVar variation 4688810 (VCV004688810.2).
Genomic context (GRCh38, chr12:110,339,500, plus strand): 5'-AGGGTTAAGATCCCGGTGAACCAATAAAACAAAATTGTTTATCTAAATCTGTAACATTTC[C>T]AGGGTGCTCCTGAAGGTGTCATTGACAGGTGCACCCACATTCGAGTTGGAAGTACTAAGG-3'

ClinVar aggregate classification (germline): Uncertain significance. Review status: criteria provided, multiple submitters, no conflicts (2 of 4 stars). 2 submissions from 2 submitters: Uncertain significance (2). Last evaluated 2025-12-26.

gnomAD v4.1: 18 of 1,613,840 alleles (0.0011%); highest among the groups gnomAD compares: Admixed American, 0.0033%; no homozygotes.

Submissions (2):

Women's Health and Genetics/Laboratory Corporation of America, LabCorp
Classification: Uncertain significance. Last evaluated: 2025-12-26. Review status: criteria provided, single submitter. Criteria: LabCorp Variant Classification Summary - May 2015. Collection method: clinical testing. Allele origin: germline.
Comment: Variant summary: ATP2A2 c.1543-3C>T alters a conserved nucleotide located close to a canonical splice site and therefore could affect mRNA splicing, leading to a significantly altered protein sequence. Consensus agreement among computation tools predict no significant impact on normal splicing. However, these predictions have yet to be confirmed by functional studies. The variant allele was found at a frequency of 4e-06 in 250828 control chromosomes. The available data on variant occurrences in the general population are insufficient to allow any conclusion about variant significance. To our knowledge, no occurrence of c.1543-3C>T in individuals affected with ATP2A2-related conditions and no experimental evidence demonstrating its impact on protein function have been reported. No submitters have cited clinical-significance assessments for this variant to ClinVar. Based on the evidence outlined above, the variant was classified as uncertain significance.

Labcorp Genetics (formerly Invitae), Labcorp
Classification: Uncertain significance. Last evaluated: 2025-06-03. Review status: criteria provided, single submitter. Criteria: Invitae Variant Classification Sherloc (09022015). Collection method: clinical testing. Allele origin: germline.
Comment: This sequence change falls in intron 12 of the ATP2A2 gene. It does not directly change the encoded amino acid sequence of the ATP2A2 protein. It affects a nucleotide within the consensus splice site. This variant is present in population databases (rs748978310, gnomAD 0.003%). This variant has not been reported in the literature in individuals affected with ATP2A2-related conditions. Variants that disrupt the consensus splice site are a relatively common cause of aberrant splicing (PMID: 17576681, 9536098). Algorithms developed to predict the effect of sequence changes on RNA splicing suggest that this variant is not likely to affect RNA splicing. In summary, the available evidence is currently insufficient to determine the role of this variant in disease. Therefore, it has been classified as a Variant of Uncertain Significance.

Literature cited by the submitters: PubMed 17576681 (cited by Labcorp Genetics (formerly Invitae), Labcorp); PubMed 9536098 (cited by Labcorp Genetics (formerly Invitae), Labcorp).